The following is an entry in ClinVar:

ClinVar aggregate classification (germline): Conflicting classifications of pathogenicity. Review status: criteria provided, conflicting classifications (1 of 4 stars). 4 submissions from 4 submitters: Uncertain significance (1); Likely benign (2). 1 of the submissions does not count toward it. Last evaluated 2026-01-17.

Conditions:
IFT52-related disorder. Also called: IFT52-related condition.

Allele frequency attached by ClinVar (database versions not stated): ExAC 0.00058; 1000 Genomes Project 0.00060; 1000 Genomes Project 30x 0.00062; gnomAD exomes 0.00071 and 0.00118; TOPMed 0.00077; gnomAD 0.00089 and 0.00091; ESP Exome Variant Server 0.00092.
gnomAD v4.1: 1,839 of 1,611,174 alleles (0.11%); highest among the groups gnomAD compares: Non-Finnish European, 0.14%; 4 homozygotes.

Submissions (6):

Labcorp Genetics (formerly Invitae), Labcorp
Classification: Likely benign. Last evaluated: 2026-01-17. Review status: criteria provided, single submitter. Criteria: Invitae Variant Classification Sherloc (09022015). Collection method: clinical testing. Allele origin: germline.

Blueprint Genetics
Classification: Likely benign. Last evaluated: 2024-11-19. Review status: criteria provided, single submitter. Criteria: ACMG Guidelines, 2015. Collection method: clinical testing. Allele origin: germline.

Breakthrough Genomics
Classification: Uncertain significance. Review status: criteria provided, single submitter. Criteria: ACMG Guidelines, 2015. Collection method: not provided. Allele origin: germline. Inheritance: Autosomal dominant inheritance. Affected: yes.

PreventionGenetics, part of Exact Sciences
Classification: Likely benign for IFT52-related condition. Last evaluated: 2023-12-31. Review status: no assertion criteria provided. Collection method: clinical testing. Allele origin: germline. Not counted in ClinVar's aggregate classification.
Comment: This variant is classified as likely benign based on ACMG/AMP sequence variant interpretation guidelines (Richards et al. 2015 PMID: 25741868, with internal and published modifications).

Dr. Peter K. Rogan Lab, Western University
No classification provided (evidence only). Condition: Melanoma. Review status: no classification provided. Collection method: in vitro. Allele origin: not applicable. Functional consequence: retained intron. Not counted in ClinVar's aggregate classification.

Dr. Peter K. Rogan Lab, Western University
No classification provided (evidence only). Condition: Cholangiocarcinoma. Review status: no classification provided. Collection method: in vitro. Allele origin: not applicable. Functional consequence: retained intron. Not counted in ClinVar's aggregate classification.

NM_016004.5(IFT52):c.1031G>A (p.Arg344Gln)

Gene: IFT52 (intraflagellar transport 52; plus strand). Cytogenetic location: 20q13.12.
Variant type: single nucleotide variant.
Coding change: c.1031G>A on transcript NM_016004.5 (MANE Select); coding-DNA position 1031, G replaced by A.
Protein change: p.Arg344Gln; replaces arginine 344 with glutamine.
Molecular consequence: missense variant.
Genome position (GRCh38, 1-based): chr20:43,637,164, G>A. VCF-style: chr20-43637164-G-A. GRCh37 (hg19) VCF-style: chr20-42265804-G-A.
Other names: c.1031G>A (NM_001303458.2); c.1031G>A, p.Arg344Gln (NM_001303458.3, NM_001303459.3); c.503G>A, p.Arg168Gln (NM_001323578.2, NM_001323580.2); c.380G>A, p.Arg127Gln (NM_001323579.2, NM_001323581.2); short protein forms R127Q, R168Q, R344Q.
Identifiers: ClinVar variation 1522228 (VCV001522228.11), dbSNP rs145627647, ClinGen allele CA9867085.
Genomic context (GRCh38, chr20:43,637,164, plus strand): 5'-ATCCTCCCTCATTTCTAAATAATGACTTTATTTCCTTTTAGGTTTTTCCTCCCAGTTTCC[G>A]GGAGTTACCACCTCCTCCTCTGGAGCTATTTGATTTAGATGAAACGTTCTCCTCTGAGAA-3'
Protein context (NP_057088.2, residues 334-354): LQPAVFPPSF[Arg344Gln]ELPPPPLELF